The following is an entry in ClinVar:

NM_003999.3(OSMR):c.704-2A>G

Gene: OSMR (oncostatin M receptor; plus strand). Cytogenetic location: 5p13.1.
Variant type: single nucleotide variant.
Coding change: c.704-2A>G on transcript NM_003999.3 (MANE Select); the canonical splice acceptor site of the intron before coding-DNA position 704, A replaced by G.
Molecular consequence: splice acceptor variant.
Genome position (GRCh38, 1-based): chr5:38,885,347, A>G. VCF-style: chr5-38885347-A-G. GRCh37 (hg19) VCF-style: chr5-38885449-A-G.
Other names: c.704-2A>G (NM_001323506.2, NM_001323505.2, NM_001323507.2 and 2 more transcripts).
Identifiers: ClinVar variation 4978605 (VCV004978605.1).

ClinVar aggregate classification (germline): Uncertain significance (1 of 4 stars; one submission).

Conditions:
OSMR-related disorder. Also called: OSMR-related condition.

gnomAD v4.1: 1 of 1,613,684 alleles (0.000062%); highest among the groups gnomAD compares: Non-Finnish European, 0.000085%; no homozygotes.

Submission:

PreventionGenetics, part of Exact Sciences
Classification: Uncertain significance for OSMR-related condition. Last evaluated: 2025-07-27. Review status: criteria provided, single submitter. Criteria: ACMG Guidelines, 2015. Collection method: clinical testing. Allele origin: germline.
Comment: The OSMR c.704-2A>G variant is predicted to disrupt the AG splice acceptor site and interfere with normal splicing. To our knowledge, this variant has not been reported in the literature or in a large population database (gnomAD), indicating this variant is rare. Loss-of-function variants in OSMR are not a known mechanism of disease. At this time, the clinical significance of this variant is uncertain due to the absence of conclusive functional and genetic evidence.